The following is an entry in ClinVar:

NM_000520.6(HEXA):c.1377G>A (p.Met459Ile)

Gene: HEXA (hexosaminidase subunit alpha; minus strand). Cytogenetic location: 15q23.
Variant type: single nucleotide variant.
Coding change: c.1377G>A on transcript NM_000520.6 (MANE Select); coding-DNA position 1377, G replaced by A.
Protein change: p.Met459Ile; replaces methionine 459 with isoleucine.
Molecular consequence: missense variant. On other transcripts: non-coding transcript variant (1).
Genome position (GRCh38, 1-based): chr15:72,346,279, C>T on the plus strand (G>A on the coding strand, the complement: HEXA is on the minus strand). VCF-style: chr15-72346279-C-T. GRCh37 (hg19) VCF-style: chr15-72638620-C-T.
Other names: c.1410G>A, p.Met470Ile (NM_001318825.2); short protein forms M470I, M459I.
Identifiers: ClinVar variation 2002301 (VCV002002301.4), dbSNP rs1336841803, ClinGen allele CA393059218.

ClinVar aggregate classification (germline): Uncertain significance (1 of 4 stars; one submission).

Conditions:
Tay-Sachs disease (TSD). Also called: HEXA DEFICIENCY; GM2 gangliosidosis, type 1; Hexosaminidase alpha-subunit deficiency (variant B); Sphingolipidosis, Tay-Sachs; Hexosaminidase A Deficiency; HEXA Disorders. Identifiers: Orphanet 845, MedGen C0039373, MONDO:0010100, OMIM 272800.

Submission:

Labcorp Genetics (formerly Invitae), Labcorp
Classification: Uncertain significance for Tay-Sachs disease. Last evaluated: 2022-06-03. Review status: criteria provided, single submitter. Criteria: Invitae Variant Classification Sherloc (09022015). Collection method: clinical testing. Allele origin: germline.
Comment: This variant has not been reported in the literature in individuals affected with HEXA-related conditions. In summary, the available evidence is currently insufficient to determine the role of this variant in disease. Therefore, it has been classified as a Variant of Uncertain Significance. Algorithms developed to predict the effect of missense changes on protein structure and function are either unavailable or do not agree on the potential impact of this missense change (SIFT: "Tolerated"; PolyPhen-2: "Probably Damaging"; Align-GVGD: "Class C0"). This variant is not present in population databases (gnomAD no frequency). This sequence change replaces methionine, which is neutral and non-polar, with isoleucine, which is neutral and non-polar, at codon 459 of the HEXA protein (p.Met459Ile).